The following is an entry in ClinVar:

ClinVar aggregate classification (germline): Uncertain significance (1 of 4 stars; one submission).

gnomAD v4.1: 1 of 1,577,218 alleles (0.000063%); highest among the groups gnomAD compares: Non-Finnish European, 0.000087%; no homozygotes.

Submission:

Ambry Genetics
Classification: Uncertain significance. Last evaluated: 2025-10-28. Review status: criteria provided, single submitter. Criteria: Ambry Variant Classification Scheme 2023. Collection method: clinical testing. Allele origin: germline.
Comment: The p.T1182S variant (also known as c.3544A>T), located in coding exon 4 of the MLH3 gene, results from an A to T substitution at nucleotide position 3544. The threonine at codon 1182 is replaced by serine, an amino acid with similar properties. This amino acid position is conserved. In addition, this alteration is predicted to be tolerated by in silico analysis. Based on the available evidence, the clinical significance of this variant remains unclear.

NM_001040108.2(MLH3):c.3544A>T (p.Thr1182Ser)

Gene: MLH3 (mutL homolog 3; minus strand). Cytogenetic location: 14q24.3.
Variant type: single nucleotide variant.
Coding change: c.3544A>T on transcript NM_001040108.2 (MANE Select); coding-DNA position 3544, A replaced by T.
Protein change: p.Thr1182Ser; replaces threonine 1182 with serine.
Molecular consequence: missense variant.
Genome position (GRCh38, 1-based): chr14:75,039,937, T>A on the plus strand (A>T on the coding strand, the complement: MLH3 is on the minus strand). VCF-style: chr14-75039937-T-A. GRCh37 (hg19) VCF-style: chr14-75506640-T-A.
Other names: c.3544A>T, p.Thr1182Ser (NM_014381.3); short protein forms T1182S.
Identifiers: ClinVar variation 4552107 (VCV004552107.1).